The following is an entry in ClinVar:

NM_004360.5(CDH1):c.1869A>G (p.Thr623=)

Gene: CDH1 (cadherin 1; plus strand). Cytogenetic location: 16q22.1.
Variant type: single nucleotide variant.
Coding change: c.1869A>G on transcript NM_004360.5 (MANE Select); coding-DNA position 1869, A replaced by G.
Protein change: p.Thr623=; no amino-acid change (threonine 623 retained).
Molecular consequence: synonymous variant. On other transcripts: 5 prime UTR variant (1).
Genome position (GRCh38, 1-based): chr16:68,822,158, A>G. VCF-style: chr16-68822158-A-G. GRCh37 (hg19) VCF-style: chr16-68856061-A-G.
Other names: c.1869A>G (LRG_301t1); c.1686A>G, p.Thr562= (NM_001317184.2); c.321A>G, p.Thr107= (NM_001317185.2); c.-97A>G (NM_001317186.2).
Identifiers: ClinVar variation 183885 (VCV000183885.20), dbSNP rs786201138, ClinGen allele CA186863.

ClinVar aggregate classification (germline): Benign/Likely benign. Review status: criteria provided, multiple submitters, no conflicts (2 of 4 stars). 4 submissions from 4 submitters: Benign (1); Likely benign (3). Last evaluated 2025-02-26.

Conditions:
Hereditary cancer-predisposing syndrome. Also called: Tumor predisposition; Hereditary Cancer Syndrome; Hereditary neoplastic syndrome; Neoplastic Syndromes, Hereditary. Identifiers: Orphanet 140162, MedGen C0027672, MeSH D009386, MONDO:0015356.
Hereditary diffuse gastric adenocarcinoma (HDGC). Also called: DIFFUSE GASTRIC AND LOBULAR BREAST CANCER SYNDROME. Identifiers: Orphanet 26106, MedGen C1708349, MONDO:0007648, OMIM 137215.

Allele frequency attached by ClinVar (database versions not stated): gnomAD exomes below 0.00001.
gnomAD v4.1: 2 of 1,614,008 alleles (0.00012%); highest among the groups gnomAD compares: Non-Finnish European, 0.00017%; no homozygotes.

Submissions (4):

Labcorp Genetics (formerly Invitae), Labcorp
Classification: Likely benign for Hereditary diffuse gastric adenocarcinoma. Last evaluated: 2025-02-26. Review status: criteria provided, single submitter. Criteria: Invitae Variant Classification Sherloc (09022015). Collection method: clinical testing. Allele origin: germline.

Myriad Genetics, Inc.
Classification: Benign for Hereditary diffuse gastric adenocarcinoma. Last evaluated: 2024-09-20. Review status: criteria provided, single submitter. Criteria: Myriad Autosomal Dominant, Autosomal Recessive and X-Linked Classification Criteria (2023). Collection method: clinical testing. Allele origin: unknown.
Comment: This variant is considered benign. This variant is a silent/synonymous amino acid change and it is not expected to impact splicing.

Color Diagnostics, LLC DBA Color Health
Classification: Likely benign for Hereditary cancer-predisposing syndrome. Last evaluated: 2023-07-24. Review status: criteria provided, single submitter. Criteria: ACMG Guidelines, 2015. Collection method: clinical testing. Allele origin: germline.

Ambry Genetics
Classification: Likely benign for Hereditary cancer-predisposing syndrome. Last evaluated: 2019-08-16. Review status: criteria provided, single submitter. Criteria: Ambry Variant Classification Scheme 2023. Collection method: clinical testing. Allele origin: germline.